The following is an entry in ClinVar:

NM_004333.6(BRAF):c.88G>T (p.Gly30Cys)

Gene: BRAF (B-Raf proto-oncogene, serine/threonine kinase; minus strand). Cytogenetic location: 7q34.
Variant type: single nucleotide variant.
Coding change: c.88G>T on transcript NM_004333.6 (MANE Select); coding-DNA position 88, G replaced by T.
Protein change: p.Gly30Cys; replaces glycine 30 with cysteine.
Molecular consequence: missense variant.
Genome position (GRCh38, 1-based): chr7:140,924,616, C>A on the plus strand (G>T on the coding strand, the complement: BRAF is on the minus strand). VCF-style: chr7-140924616-C-A. GRCh37 (hg19) VCF-style: chr7-140624416-C-A.
Other names: c.88G>T, p.Gly30Cys (NM_001354609.2, NM_001374244.1, NM_001374258.1 and 7 more transcripts); short protein forms G30C.
Identifiers: ClinVar variation 2852878 (VCV002852878.3), dbSNP rs2129153267, ClinGen allele CA369590121.

ClinVar aggregate classification (germline): Uncertain significance (1 of 4 stars; one submission).

Conditions:
RASopathy. Also called: rasopathies; Noonan spectrum disorder. Identifiers: Orphanet 536391, MedGen C5555857, MONDO:0021060.

Submission:

Labcorp Genetics (formerly Invitae), Labcorp
Classification: Uncertain significance for RASopathy. Last evaluated: 2025-01-06. Review status: criteria provided, single submitter. Criteria: Invitae Variant Classification Sherloc (09022015). Collection method: clinical testing. Allele origin: germline.
Comment: This sequence change replaces glycine, which is neutral and non-polar, with cysteine, which is neutral and slightly polar, at codon 30 of the BRAF protein (p.Gly30Cys). This variant is not present in population databases (gnomAD no frequency). This variant has not been reported in the literature in individuals affected with BRAF-related conditions. ClinVar contains an entry for this variant (Variation ID: 2852878). Invitae Evidence Modeling of protein sequence and biophysical properties (such as structural, functional, and spatial information, amino acid conservation, physicochemical variation, residue mobility, and thermodynamic stability) has been performed for this missense variant. However, the output from this modeling did not meet the statistical confidence thresholds required to predict the impact of this variant on BRAF protein function. In summary, the available evidence is currently insufficient to determine the role of this variant in disease. Therefore, it has been classified as a Variant of Uncertain Significance.